The following is an entry in ClinVar:

ClinVar aggregate classification (germline): Uncertain significance (1 of 4 stars; one submission).

Conditions:
Hereditary cancer-predisposing syndrome. Also called: Tumor predisposition; Hereditary neoplastic syndrome; Hereditary Cancer Syndrome; Neoplastic Syndromes, Hereditary. Identifiers: Orphanet 140162, MedGen C0027672, MeSH D009386, MONDO:0015356.

Submission:

Ambry Genetics
Classification: Uncertain significance for Hereditary cancer-predisposing syndrome. Last evaluated: 2025-05-05. Review status: criteria provided, single submitter. Criteria: Ambry Variant Classification Scheme 2023. Collection method: clinical testing. Allele origin: germline.
Comment: The p.E366G variant (also known as c.1097A>G), located in coding exon 10 of the TSC2 gene, results from an A to G substitution at nucleotide position 1097. The glutamic acid at codon 366 is replaced by glycine, an amino acid with similar properties. This amino acid position is highly conserved in available vertebrate species. In addition, this alteration is predicted to be deleterious by in silico analysis. Based on the available evidence, the clinical significance of this variant remains unclear.

NM_000548.5(TSC2):c.1097A>G (p.Glu366Gly)

Gene: TSC2 (TSC complex subunit 2; plus strand). Cytogenetic location: 16p13.3.
Variant type: single nucleotide variant.
Coding change: c.1097A>G on transcript NM_000548.5 (MANE Select); coding-DNA position 1097, A replaced by G.
Protein change: p.Glu366Gly; replaces glutamic acid 366 with glycine.
Molecular consequence: missense variant. On other transcripts: 5 prime UTR variant (10), non-coding transcript variant (5).
Genome position (GRCh38, 1-based): chr16:2,060,791, A>G. VCF-style: chr16-2060791-A-G. GRCh37 (hg19) VCF-style: chr16-2110792-A-G.
Other names: c.-335A>G (NM_001406689.1, NM_001406690.1, NM_001406691.1 and 4 more transcripts); c.-216A>G (NM_001406694.1, NM_001406695.1); c.-511A>G (NM_001406698.1); c.1097A>G, p.Glu366Gly (NM_021055.3, NM_001077183.3, NM_001114382.3 and 6 more transcripts); c.986A>G, p.Glu329Gly (NM_001318827.2, NM_001406670.1, NM_001406678.1); c.950A>G, p.Glu317Gly (NM_001318829.2, NM_001406675.1, NM_001406676.1 and 1 more transcripts); c.497A>G, p.Glu166Gly (NM_001318831.2, NM_001406680.1, NM_001406682.1 and 6 more transcripts); c.1130A>G, p.Glu377Gly (NM_001318832.2); and 4 more; short protein forms E212G, E347G, E396G, E317G, E362G, E166G, E329G, E366G.
Identifiers: ClinVar variation 3974621 (VCV003974621.1).